The following is an entry in ClinVar:

NM_002291.3(LAMB1):c.1382A>G (p.Asn461Ser)

Gene: LAMB1 (laminin subunit beta 1; minus strand). Cytogenetic location: 7q31.1.
Variant type: single nucleotide variant.
Coding change: c.1382A>G on transcript NM_002291.3 (MANE Select); coding-DNA position 1382, A replaced by G.
Protein change: p.Asn461Ser; replaces asparagine 461 with serine.
Molecular consequence: missense variant.
Genome position (GRCh38, 1-based): chr7:107,975,086, T>C on the plus strand (A>G on the coding strand, the complement: LAMB1 is on the minus strand). VCF-style: chr7-107975086-T-C. GRCh37 (hg19) VCF-style: chr7-107615531-T-C.
Other names: short protein forms N461S.
Identifiers: ClinVar variation 391648 (VCV000391648.6), dbSNP rs200749474, ClinGen allele CA4436035.

ClinVar aggregate classification (germline): Uncertain significance. Review status: criteria provided, multiple submitters, no conflicts (2 of 4 stars). 3 submissions from 3 submitters: Uncertain significance (3). Last evaluated 2024-05-15.

Conditions:
Inborn genetic diseases. Identifiers: MedGen C0950123, MeSH D030342.

Allele frequency attached by ClinVar (database versions not stated): gnomAD 0.00003 and 0.00005; TOPMed 0.00003; 1000 Genomes Project 30x 0.00016; 1000 Genomes Project 0.00020.
gnomAD v4.1: 168 of 1,608,992 alleles (0.01%); highest among the groups gnomAD compares: East Asian, 0.32%; no homozygotes.

Submissions (3):

Ambry Genetics
Classification: Uncertain significance for Inborn genetic diseases. Last evaluated: 2024-05-15. Review status: criteria provided, single submitter. Criteria: Ambry Variant Classification Scheme 2023. Collection method: clinical testing. Allele origin: germline.

Labcorp Genetics (formerly Invitae), Labcorp
Classification: Uncertain significance. Last evaluated: 2024-04-25. Review status: criteria provided, single submitter. Criteria: Invitae Variant Classification Sherloc (09022015). Collection method: clinical testing. Allele origin: germline.
Comment: This sequence change replaces asparagine, which is neutral and polar, with serine, which is neutral and polar, at codon 461 of the LAMB1 protein (p.Asn461Ser). This variant is present in population databases (rs200749474, gnomAD 0.03%). This variant has not been reported in the literature in individuals affected with LAMB1-related conditions. ClinVar contains an entry for this variant (Variation ID: 391648). Algorithms developed to predict the effect of missense changes on protein structure and function output the following: SIFT: "Not Available"; PolyPhen-2: "Benign"; Align-GVGD: "Not Available". The serine amino acid residue is found in multiple mammalian species, which suggests that this missense change does not adversely affect protein function. In summary, the available evidence is currently insufficient to determine the role of this variant in disease. Therefore, it has been classified as a Variant of Uncertain Significance.

GeneDx
Classification: Uncertain significance. Last evaluated: 2016-12-15. Review status: criteria provided, single submitter. Criteria: GeneDx Variant Classification (06012015). Collection method: clinical testing. Allele origin: germline. Affected: yes.
Comment: A variant of uncertain significance has been identified in the LAMB1 gene. The N461S variant has not been published as a pathogenic variant, nor has it been reported as a benign variant to our knowledge. The N461S variant is not observed at a significant frequency in large population cohorts (Lek et al., 2016; 1000 Genomes Consortium et al., 2015; Exome Variant Server). The N461S variant is a conservative amino acid substitution, which is not likely to impact secondary protein structure as these residues share similar properties. This substitution occurs at a position where amino acids with similar properties to Asparagine are tolerated across species. However, in silico analysis predicts this variant is probably damaging to the protein structure/function. Therefore, based on the currently available information, it is unclear whether this variant is a pathogenic variant or a rare benign variant.